The following is an entry in ClinVar:

ClinVar aggregate classification (germline): Uncertain significance (1 of 4 stars; one submission).

Conditions:
Peutz-Jeghers syndrome (PJS). Also called: POLYPOSIS, HAMARTOMATOUS INTESTINAL; POLYPS-AND-SPOTS SYNDROME; Peutz-Jeghers polyposis; Periorificial lentiginosis syndrome. Identifiers: Orphanet 2869, MedGen C0031269, MeSH D010580, MONDO:0008280, OMIM 175200.

Submission:

Labcorp Genetics (formerly Invitae), Labcorp
Classification: Uncertain significance for Peutz-Jeghers syndrome. Last evaluated: 2024-06-25. Review status: criteria provided, single submitter. Criteria: Invitae Variant Classification Sherloc (09022015). Collection method: clinical testing. Allele origin: germline.
Comment: This sequence change falls in intron 3 of the STK11 gene. It does not directly change the encoded amino acid sequence of the STK11 protein. This variant is not present in population databases (gnomAD no frequency). This variant has not been reported in the literature in individuals affected with STK11-related conditions. Experimental studies and prediction algorithms are not available or were not evaluated, and the functional significance of this variant is currently unknown. In summary, the available evidence is currently insufficient to determine the role of this variant in disease. Therefore, it has been classified as a Variant of Uncertain Significance.

NM_000455.5(STK11):c.464+16_464+32del

Gene: STK11 (serine/threonine kinase 11; plus strand). Cytogenetic location: 19p13.3.
Variant type: Deletion.
Coding change: c.464+16_464+32del on transcript NM_000455.5 (MANE Select); bases 16 to 32 of the intron after coding-DNA position 464, 17 bases deleted (AGGGGCCAGGGTGGGGC).
Molecular consequence: intron variant.
Genome position (GRCh38, 1-based): chr19:1,219,429-1,219,445, AGGGGCCAGGGTGGGGC deleted; deleting any 17 consecutive bases within chr19:1,219,424-1,219,445 gives the same sequence; the c. name uses the placement nearest the transcript's 3' end. VCF-style (leftmost placement, unchanged base first): chr19-1219423-CGGGGCAGGGGCCAGGGT-C. GRCh37 (hg19) VCF-style: chr19-1219422-CGGGGCAGGGGCCAGGGT-C.
Other names: c.464+16_464+32del (NM_001407255.1).
Identifiers: ClinVar variation 3657736 (VCV003657736.2).